The following is an entry in ClinVar:

ClinVar aggregate classification (germline): Likely benign. Review status: reviewed by expert panel (3 of 4 stars). 8 submissions from 8 submitters: Likely benign (1). 7 of the submissions do not count toward it. Last evaluated 2023-08-18.

Conditions:
CDH1-related diffuse gastric and lobular breast cancer syndrome. Also called: CDH1-related diffuse gastric and lobular breast cancer. Identifiers: MedGen CN311521, MONDO:0100488.
Hereditary cancer-predisposing syndrome. Also called: Neoplastic Syndromes, Hereditary; Hereditary Cancer Syndrome; Tumor predisposition; Hereditary neoplastic syndrome. Identifiers: Orphanet 140162, MedGen C0027672, MeSH D009386, MONDO:0015356.
Hereditary diffuse gastric adenocarcinoma (HDGC). Also called: DIFFUSE GASTRIC AND LOBULAR BREAST CANCER SYNDROME. Identifiers: Orphanet 26106, MedGen C1708349, MONDO:0007648, OMIM 137215.

Allele frequency attached by ClinVar (database versions not stated): gnomAD exomes below 0.00001; TOPMed below 0.00001; gnomAD 0.00001.
gnomAD v4.1: 5 of 1,614,126 alleles (0.00031%); highest among the groups gnomAD compares: Non-Finnish European, 0.00034%; no homozygotes.

Submissions (8):

Clingen Gastric Cancer Variant Curation Expert Panel
Classification: Likely benign for CDH1-related diffuse gastric and lobular breast cancer syndrome. Last evaluated: 2023-08-18. Review status: reviewed by expert panel. Criteria: ClinGen CDH1 ACMG Specifications V3.1. Collection method: curation. Allele origin: germline. Inheritance: Autosomal dominant inheritance.
Comment: The c.1493A>C (p.Asp498Ala) variant is present at <1/100,000 alleles in the European non-Finnish subpopulation of the gnomAD cohort (1/113,758 alleles; PM2_Supporting). The variant has been seen in at least 10 individuals without DCG, SRC tumors, or LBC & whose families do not suggest HDGC (BS2; SCV000279435.9, SCV000637728.4). In summary, this variant meets criteria to be classified as likely benign based on the ACMG/AMP criteria applied, as specified by the CDH1 Variant Curation Expert Panel: PM2_Supporting, BS2.

Labcorp Genetics (formerly Invitae), Labcorp
Classification: Uncertain significance for Hereditary diffuse gastric adenocarcinoma. Last evaluated: 2025-10-17. Review status: criteria provided, single submitter. Criteria: Invitae Variant Classification Sherloc (09022015). Collection method: clinical testing. Allele origin: germline. Not counted in ClinVar's aggregate classification.
Comment: This sequence change replaces aspartic acid, which is acidic and polar, with alanine, which is neutral and non-polar, at codon 498 of the CDH1 protein (p.Asp498Ala). This variant is present in population databases (no rsID available, gnomAD 0.0009%). This missense change has been observed in individual(s) with CDH1-related conditions (PMID: 36436516). ClinVar contains an entry for this variant (Variation ID: 234528). An algorithm developed to predict the effect of missense changes on protein structure and function (PolyPhen-2) suggests that this variant is likely to be disruptive. In summary, the available evidence is currently insufficient to determine the role of this variant in disease. Therefore, it has been classified as a Variant of Uncertain Significance.

Blueprint Genetics
Classification: Uncertain significance. Last evaluated: 2024-03-27. Review status: criteria provided, single submitter. Criteria: ACMG Guidelines, 2015. Collection method: clinical testing. Allele origin: germline. Not counted in ClinVar's aggregate classification.

Color Diagnostics, LLC DBA Color Health
Classification: Uncertain significance for Hereditary cancer-predisposing syndrome. Last evaluated: 2023-08-31. Review status: criteria provided, single submitter. Criteria: ACMG Guidelines, 2015. Collection method: clinical testing. Allele origin: germline. Not counted in ClinVar's aggregate classification.
Comment: This missense variant replaces aspartic acid with alanine at codon 498 of the CDH1 protein. To our knowledge, functional studies have not been reported for this variant. This variant has been reported in several families affected with breast, gastric, and other cancers (PMID: 36436516), with one family specifying a lobular breast cancer prior to age 55. This variant has been identified in 1/251478 chromosomes in the general population by the Genome Aggregation Database (gnomAD). The available evidence is insufficient to determine the role of this variant in disease conclusively. Therefore, this variant is classified as a Variant of Uncertain Significance.

European Reference Network on Genetic Tumour Risk Syndromes (ERN-GENTURIS), i3s - Instituto de Investigação e Inovação em Saúde, University of Porto
Classification: Likely benign for Hereditary diffuse gastric adenocarcinoma. Last evaluated: 2022-08-01. Review status: criteria provided, single submitter. Criteria: Lee et al. (Hum Mutat. 2018). Collection method: clinical testing. Allele origin: germline. Inheritance: Autosomal dominant inheritance. Affected: no. Study: ERN GENTURIS. Not counted in ClinVar's aggregate classification.
Comment: PM2; BS2 (PMID: 30311375)

Ambry Genetics
Classification: Likely benign for Hereditary cancer-predisposing syndrome. Last evaluated: 2022-06-06. Review status: criteria provided, single submitter. Criteria: Ambry Variant Classification Scheme 2023. Collection method: clinical testing. Allele origin: germline. Not counted in ClinVar's aggregate classification.

Quest Diagnostics Nichols Institute San Juan Capistrano
Classification: Uncertain significance. Last evaluated: 2019-02-07. Review status: criteria provided, single submitter. Criteria: Quest Diagnostics criteria. Collection method: clinical testing. Allele origin: germline. Not counted in ClinVar's aggregate classification.

GeneDx
Classification: Uncertain significance. Last evaluated: 2016-12-28. Review status: criteria provided, single submitter. Criteria: GeneDx Variant Classification (06012015). Collection method: clinical testing. Allele origin: germline. Affected: yes. Not counted in ClinVar's aggregate classification.
Comment: This variant is denoted CDH1 c.1493A>C at the cDNA level, p.Asp498Ala (D498A) at the protein level, and results in the change of an Aspartic Acid to an Alanine (GAC>GCC). This variant has not, to our knowledge, been published in the literature as being pathogenic or benign. CDH1 Asp498Ala was not observed in approximately 6,500 individuals of European and African American ancestry in the NHLBI Exome Sequencing Project, indicating it is not a common benign variant in these populations. Since Aspartic Acid and Alanine differ in polarity, charge, size or other properties, this is considered a non-conservative amino acid substitution. CDH1 Asp498Ala occurs at a position that is conserved across species and is located in cadherin 4 of the extracellular domain (Brooks-Wilson 2004, Figueiredo 2013). In silico analyses predict that this variant is probably damaging to protein structure and function. Based on currently available information, it is unclear whether CDH1 Asp498Ala is pathogenic or benign. We consider it to be a variant of uncertain significance.

Literature cited by the submitters: PubMed 36436516 (cited by 3 submitters).

NM_004360.5(CDH1):c.1493A>C (p.Asp498Ala)

Gene: CDH1 (cadherin 1; plus strand). Cytogenetic location: 16q22.1.
Variant type: single nucleotide variant.
Coding change: c.1493A>C on transcript NM_004360.5 (MANE Select); coding-DNA position 1493, A replaced by C.
Protein change: p.Asp498Ala; replaces aspartic acid 498 with alanine.
Molecular consequence: missense variant. On other transcripts: 5 prime UTR variant (2).
Genome position (GRCh38, 1-based): chr16:68,815,687, A>C. VCF-style: chr16-68815687-A-C. GRCh37 (hg19) VCF-style: chr16-68849590-A-C.
Other names: c.-327A>C (NM_001317186.2); c.1493A>C (LRG_301t1); c.1310A>C, p.Asp437Ala (NM_001317184.2); c.-56A>C (NM_001317185.2); short protein forms D498A, D437A.
Identifiers: ClinVar variation 234528 (VCV000234528.29), dbSNP rs876661065, ClinGen allele CA10577544.